The following is an entry in ClinVar:

NM_177531.6(PKHD1L1):c.11557G>A (p.Val3853Ile)

Gene: PKHD1L1 (PKHD1 like 1; plus strand). Cytogenetic location: 8q23.2.
Variant type: single nucleotide variant.
Coding change: c.11557G>A on transcript NM_177531.6 (MANE Select); coding-DNA position 11557, G replaced by A.
Protein change: p.Val3853Ile; replaces valine 3853 with isoleucine.
Molecular consequence: missense variant.
Genome position (GRCh38, 1-based): chr8:109,515,173, G>A. VCF-style: chr8-109515173-G-A. GRCh37 (hg19) VCF-style: chr8-110527402-G-A.
Other names: short protein forms V3853I.
Identifiers: ClinVar variation 2379368 (VCV002379368.3), dbSNP rs201433825, ClinGen allele CA4846932.

ClinVar aggregate classification (germline): Uncertain significance. Review status: criteria provided, multiple submitters, no conflicts (2 of 4 stars). 2 submissions from 2 submitters: Uncertain significance (2). Last evaluated 2024-10-29.

Conditions:
PKHD1L1-related disorder. Also called: PKHD1L1-related condition.

Allele frequency attached by ClinVar (database versions not stated): gnomAD 0.00015; ESP Exome Variant Server 0.00068.

Submissions (2):

PreventionGenetics, part of Exact Sciences
Classification: Uncertain significance for PKHD1L1-related condition. Last evaluated: 2024-10-29. Review status: criteria provided, single submitter. Criteria: ACMG Guidelines, 2015. Collection method: clinical testing. Allele origin: germline.
Comment: The PKHD1L1 c.11557G>A variant is predicted to result in the amino acid substitution p.Val3853Ile. To our knowledge, this variant has not been reported in the literature. This variant is reported in 0.022% of alleles in individuals of European (Non-Finnish) descent in gnomAD. At this time, the clinical significance of this variant is uncertain due to the absence of conclusive functional and genetic evidence.

Ambry Genetics
Classification: Uncertain significance. Last evaluated: 2022-12-16. Review status: criteria provided, single submitter. Criteria: Ambry Variant Classification Scheme 2023. Collection method: clinical testing. Allele origin: germline.